The following is an entry in ClinVar:

NM_004655.4(AXIN2):c.2475G>C (p.Glu825Asp)

Gene: AXIN2 (axin 2; minus strand). Cytogenetic location: 17q24.1.
Variant type: single nucleotide variant.
Coding change: c.2475G>C on transcript NM_004655.4 (MANE Select); coding-DNA position 2475, G replaced by C.
Protein change: p.Glu825Asp; replaces glutamic acid 825 with aspartic acid.
Molecular consequence: missense variant.
Genome position (GRCh38, 1-based): chr17:65,530,033, C>G on the plus strand (G>C on the coding strand, the complement: AXIN2 is on the minus strand). VCF-style: chr17-65530033-C-G. GRCh37 (hg19) VCF-style: chr17-63526151-C-G.
Other names: c.2475G>C (LRG_296t1); c.2280G>C, p.Glu760Asp (NM_001363813.1); short protein forms E825D, E760D.
Identifiers: ClinVar variation 575822 (VCV000575822.10), dbSNP rs1567749746, ClinGen allele CA400674825.

ClinVar aggregate classification (germline): Uncertain significance. Review status: criteria provided, multiple submitters, no conflicts (2 of 4 stars). 2 submissions from 2 submitters: Uncertain significance (2). Last evaluated 2024-05-26.

Conditions:
Oligodontia-cancer predisposition syndrome. Also called: TOOTH AGENESIS-COLORECTAL CANCER SYNDROME. Identifiers: Orphanet 300576, MedGen C1837750, MONDO:0012075, OMIM 608615. Disease mechanism: loss of function.
Hereditary cancer-predisposing syndrome. Also called: Tumor predisposition; Hereditary neoplastic syndrome; Hereditary Cancer Syndrome; Neoplastic Syndromes, Hereditary. Identifiers: Orphanet 140162, MedGen C0027672, MeSH D009386, MONDO:0015356.

Submissions (2):

Labcorp Genetics (formerly Invitae), Labcorp
Classification: Uncertain significance for Oligodontia-cancer predisposition syndrome. Last evaluated: 2024-05-26. Review status: criteria provided, single submitter. Criteria: Invitae Variant Classification Sherloc (09022015). Collection method: clinical testing. Allele origin: germline.
Comment: This sequence change replaces glutamic acid, which is acidic and polar, with aspartic acid, which is acidic and polar, at codon 825 of the AXIN2 protein (p.Glu825Asp). This variant is not present in population databases (gnomAD no frequency). This variant has not been reported in the literature in individuals affected with AXIN2-related conditions. ClinVar contains an entry for this variant (Variation ID: 575822). Advanced modeling of protein sequence and biophysical properties (such as structural, functional, and spatial information, amino acid conservation, physicochemical variation, residue mobility, and thermodynamic stability) performed at Invitae indicates that this missense variant is not expected to disrupt AXIN2 protein function with a negative predictive value of 80%. In summary, the available evidence is currently insufficient to determine the role of this variant in disease. Therefore, it has been classified as a Variant of Uncertain Significance.

Ambry Genetics
Classification: Uncertain significance for Hereditary cancer-predisposing syndrome. Last evaluated: 2023-03-08. Review status: criteria provided, single submitter. Criteria: Ambry Variant Classification Scheme 2023. Collection method: clinical testing. Allele origin: germline.
Comment: The p.E825D variant (also known as c.2475G>C), located in coding exon 10 of the AXIN2 gene, results from a G to C substitution at nucleotide position 2475. The glutamic acid at codon 825 is replaced by aspartic acid, an amino acid with highly similar properties. This amino acid position is conserved. In addition, this alteration is predicted to be tolerated by in silico analysis. Since supporting evidence is limited at this time, the clinical significance of this alteration remains unclear.